The following is an entry in ClinVar:

NM_000059.4(BRCA2):c.403_410dup (p.Ser137_Cys138insTer)

Gene: BRCA2 (BRCA2 DNA repair associated; plus strand). Cytogenetic location: 13q13.1.
Variant type: Duplication.
Coding change: c.403_410dup on transcript NM_000059.4 (MANE Select); coding-DNA positions 403 to 410, 8 bases duplicated (CTAAATTC; older notation c.403_410dupCTAAATTC).
Protein change: p.Ser137_Cys138insTer.
Molecular consequence: nonsense, inframe insertion.
Genome position (GRCh38, 1-based): chr13:32,325,162-32,325,169, CTAAATTC duplicated. VCF-style (leftmost placement, unchanged base first): chr13-32325161-T-TCTAAATTC. GRCh37 (hg19) VCF-style: chr13-32899298-T-TCTAAATTC.
Other names: c.403_410dupCTAAATTC (NM_000059.3).
Identifiers: ClinVar variation 631139 (VCV000631139.7), dbSNP rs1566218217, ClinGen allele CA913188539.

ClinVar aggregate classification (germline): Pathogenic/Likely pathogenic. Review status: criteria provided, multiple submitters, no conflicts (2 of 4 stars). 4 submissions from 4 submitters: Pathogenic (3); Likely pathogenic (1). Last evaluated 2024-09-04.

Conditions:
Hereditary breast ovarian cancer syndrome. Also called: Hereditary breast and ovarian cancer; Hereditary breast and ovarian cancer syndrome (HBOC); Breast and ovarian cancer; Hereditary breast and ovarian cancer syndrome; BRCA1- and BRCA2-Associated Hereditary Breast and Ovarian Cancer; Hereditary breast and/or ovarian cancer syndrome. Identifiers: Orphanet 145, MedGen C0677776, MeSH D061325, MONDO:0003582. Disease mechanism: loss of function.
Hereditary cancer-predisposing syndrome. Also called: Tumor predisposition; Neoplastic Syndromes, Hereditary; Hereditary neoplastic syndrome; Hereditary Cancer Syndrome. Identifiers: Orphanet 140162, MedGen C0027672, MeSH D009386, MONDO:0015356.

Submissions (4):

Labcorp Genetics (formerly Invitae), Labcorp
Classification: Pathogenic for Hereditary breast ovarian cancer syndrome. Last evaluated: 2024-09-04. Review status: criteria provided, single submitter. Criteria: Invitae Variant Classification Sherloc (09022015). Collection method: clinical testing. Allele origin: germline.
Comment: This sequence change creates a premature translational stop signal (p.Cys138*) in the BRCA2 gene. It is expected to result in an absent or disrupted protein product. Loss-of-function variants in BRCA2 are known to be pathogenic (PMID: 20104584). This variant is not present in population databases (gnomAD no frequency). This premature translational stop signal has been observed in individual(s) with breast cancer (PMID: 25186627). ClinVar contains an entry for this variant (Variation ID: 631139). Algorithms developed to predict the effect of sequence changes on RNA splicing suggest that this variant may disrupt the consensus splice site. For these reasons, this variant has been classified as Pathogenic.

Ambry Genetics
Classification: Pathogenic for Hereditary cancer-predisposing syndrome. Last evaluated: 2024-06-05. Review status: criteria provided, single submitter. Criteria: Ambry Variant Classification Scheme 2023. Collection method: clinical testing. Allele origin: germline.
Comment: The c.403_410dupCTAAATTC pathogenic mutation, located in coding exon 3 of the BRCA2 gene, results from a duplication of CTAAATTC at nucleotide position 403, causing a translational frameshift with a predicted alternate stop codon (p.C138*). This variant is considered to be rare based on population cohorts in the Genome Aggregation Database (gnomAD). This alteration is expected to result in loss of function by premature protein truncation or nonsense-mediated mRNA decay. As such, this alteration is interpreted as a disease-causing mutation.

Color Diagnostics, LLC DBA Color Health
Classification: Pathogenic for Hereditary cancer-predisposing syndrome. Last evaluated: 2020-05-20. Review status: criteria provided, single submitter. Criteria: ACMG Guidelines, 2015. Collection method: clinical testing. Allele origin: germline.
Comment: This variant inserts 8 nucleotides in exon 4 of the BRCA2 gene, creating a premature translation stop signal. This variant is expected to result in an absent or non-functional protein product. To our knowledge, this variant has not been reported in individuals affected with hereditary cancer in the literature. This variant has not been identified in the general population by the Genome Aggregation Database (gnomAD). Loss of BRCA2 function is a known mechanism of disease. Based on the available evidence, this variant is classified as Pathogenic.

Women's Health and Genetics/Laboratory Corporation of America, LabCorp
Classification: Likely pathogenic for Hereditary breast and ovarian cancer syndrome. Last evaluated: 2020-03-23. Review status: criteria provided, single submitter. Criteria: LabCorp Variant Classification Summary - May 2015. Collection method: clinical testing. Allele origin: germline.
Comment: Variant summary: BRCA2 c.403_410dupCTAAATTC (p.Cys138X) results in a premature termination codon, predicted to cause a truncation of the encoded protein or absence of the protein due to nonsense mediated decay, which are commonly known mechanisms for disease. Truncations downstream of this position have been classified as pathogenic by our laboratory. The variant was absent in 250874 control chromosomes. To our knowledge, no occurrence of c.403_410dupCTAAATTC in individuals affected with Hereditary Breast and Ovarian Cancer and no experimental evidence demonstrating its impact on protein function have been reported. One clinical diagnostic laboratory has submitted clinical-significance assessments for this variant to ClinVar after 2014 without evidence for independent evaluation. One laboratory classified the variant as pathogenic. Based on the evidence outlined above, the variant was classified as likely pathogenic.

Literature cited by the submitters: PubMed 20104584 (cited by Labcorp Genetics (formerly Invitae), Labcorp); PubMed 25186627 (cited by Labcorp Genetics (formerly Invitae), Labcorp).